The following is an entry in ClinVar:

ClinVar aggregate classification (germline): Likely pathogenic. Review status: criteria provided, multiple submitters, no conflicts (2 of 4 stars). 3 submissions from 3 submitters: Likely pathogenic (3). Last evaluated 2026-03-18.

Conditions:
Hereditary cancer-predisposing syndrome. Also called: Hereditary Cancer Syndrome; Neoplastic Syndromes, Hereditary; Tumor predisposition; Hereditary neoplastic syndrome. Identifiers: Orphanet 140162, MedGen C0027672, MeSH D009386, MONDO:0015356.
Breast-ovarian cancer, familial, susceptibility to, 3. Also called: RAD51C-Related Breast/Ovarian Cancer. Identifiers: Orphanet 145, MedGen C3150659, MONDO:0013253, OMIM 613399.

Allele frequency attached by ClinVar (database versions not stated): gnomAD exomes below 0.00001; ExAC 0.00001.
gnomAD v4.1: 1 of 1,609,712 alleles (0.000062%); highest among the groups gnomAD compares: South Asian, 0.0011%; no homozygotes.

Submissions (3):

Ambry Genetics
Classification: Likely pathogenic for Hereditary cancer-predisposing syndrome. Last evaluated: 2026-03-18. Review status: criteria provided, single submitter. Criteria: Ambry Variant Classification Scheme 2023. Collection method: clinical testing. Allele origin: germline.
Comment: The c.404+1G>A intronic variant results from a G to A substitution one nucleotide after coding exon 2 of the RAD51C gene. This nucleotide position is highly conserved in available vertebrate species. In silico splice site analysis predicts that this alteration will weaken the native splice donor site and may result in the creation or strengthening of a novel splice donor site. RNA studies have demonstrated that this variant results in abnormal splicing in the set of samples tested (Ambry internal data). Alterations that disrupt the canonical splice site are expected to cause aberrant splicing, resulting in an abnormal protein or a transcript that is subject to nonsense-mediated mRNA decay. As such, this alteration is classified as likely pathogenic.

Myriad Genetics, Inc.
Classification: Likely pathogenic for Breast-ovarian cancer, familial, susceptibility to, 3. Last evaluated: 2024-01-02. Review status: criteria provided, single submitter. Criteria: Myriad Autosomal Dominant, Autosomal Recessive and X-Linked Classification Criteria (2023). Collection method: clinical testing. Allele origin: unknown.
Comment: This variant is considered likely pathogenic. This variant occurs within a consensus splice junction and is predicted to result in abnormal mRNA splicing of either an out-of-frame exon or an in-frame exon necessary for protein stability and/or normal function.

Color Diagnostics, LLC DBA Color Health
Classification: Likely pathogenic for Hereditary cancer-predisposing syndrome. Last evaluated: 2019-09-25. Review status: criteria provided, single submitter. Criteria: ACMG Guidelines, 2015. Collection method: clinical testing. Allele origin: germline.
Comment: This variant causes a G>A nucleotide substitution at the +1 position of intron 2 of the RAD51C gene. Splice site prediction tools suggest that this variant may have a significant impact on RNA splicing. Although this prediction has not been confirmed in published RNA studies, this variant is expected to result in an absent or disrupted protein product. This variant has not been reported in individuals affected with hereditary cancer in the literature. This variant has been identified in 1/246122 chromosomes in the general population by the Genome Aggregation Database (gnomAD). Loss of RAD51C function is a known mechanism of disease. Based on the available evidence, this variant is classified as Likely Pathogenic.

NM_058216.3(RAD51C):c.404+1G>A

Gene: RAD51C (RAD51 paralog C; plus strand). Cytogenetic location: 17q22.
Variant type: single nucleotide variant.
Coding change: c.404+1G>A on transcript NM_058216.3 (MANE Select); the canonical splice donor site of the intron after coding-DNA position 404, G replaced by A.
Molecular consequence: splice donor variant. On other transcripts: nonsense (1), non-coding transcript variant (1).
Genome position (GRCh38, 1-based): chr17:58,695,190, G>A. VCF-style: chr17-58695190-G-A. GRCh37 (hg19) VCF-style: chr17-56772551-G-A.
Other names: c.405G>A, p.Trp135Ter (NM_002876.4); short protein forms W135*.
Identifiers: ClinVar variation 927230 (VCV000927230.7), dbSNP rs1555593939, ClinGen allele CA8677208.